The following is an entry in ClinVar:

NM_000404.4(GLB1):c.33_34delinsCTGC (p.Leu12fs)

Genes: GLB1 (galactosidase beta 1; minus strand), TMPPE (transmembrane protein with metallophosphoesterase domain; minus strand), LOC129936434 (ATAC-STARR-seq lymphoblastoid silent region 14182; plus strand). Cytogenetic location: 3p22.3.
Variant type: Indel.
Coding change: c.33_34delinsCTGC on transcript NM_000404.4 (MANE Select); coding-DNA positions 33 to 34, GT replaced by CTGC.
Protein change: p.Leu12fs; shifts the reading frame from leucine 12.
Molecular consequence: frameshift variant. On other transcripts: 5 prime UTR variant (2).
Genome position (GRCh38, 1-based): chr3:33,097,052-33,097,053, AC replaced by GCAG on the plus strand (GT replaced by CTGC on the coding strand, the reverse complement: GLB1 is on the minus strand). VCF-style: chr3-33097052-AC-GCAG. GRCh37 (hg19) VCF-style: chr3-33138544-AC-GCAG.
Other names: c.-339_-338delinsCTGC (NM_001136238.2); c.33_34delinsCTGC, p.Leu12fs (NM_001135602.3, NM_001317040.2, NM_001393580.1); c.-443_-442delinsCTGC (NM_001039770.3); short protein forms L12fs.
Identifiers: ClinVar variation 4818319 (VCV004818319.1).
Genomic context (GRCh38, chr3:33,097,052, plus strand): 5'-CCGGGTCCCGCAGACTTACGCGCAAGCCGCGCGTAGGGCCCAGAAGCAGCAGAACCAGCA[AC>GCAG]AGAGGGAGGATGCGAACCAGGAACCCCGGCATGACCACCAGCCTCCCGGCTCTGCAGTCG-3'

ClinVar aggregate classification (germline): Likely pathogenic (1 of 4 stars; one submission).

Conditions:
Mucopolysaccharidosis, MPS-IV-B (MPS4B). Also called: MORQUIO SYNDROME B; Mucopolysaccharidosis type 4B; Mucopolysaccharidosis type IVB (Morquio); MPS IVB; Mucopolysaccharidosis type IV B; Mucopolysaccharidosis Type IVB. Identifiers: Orphanet 309310, Orphanet 582, MedGen C0086652, MONDO:0009660, OMIM 253010.

Submission:

Natera, Inc.
Classification: Likely pathogenic for Mucopolysaccharidosis, MPS-IV-B. Last evaluated: 2024-10-16. Review status: criteria provided, single submitter. Criteria: Natera Variant Classification Schema (03/2026). Collection method: clinical testing. Allele origin: germline.
Comment: The c.33_34delinsCTGC variant in GLB1 is a frameshift variant predicted to shift the reading frame beginning at codon 12 and leads to a stop codon 60 codons downstream. This variant is expected to result in nonsense mediated decay, truncation, or a dysfunctional protein product. This variant is rare in the general population with a frequency below the threshold expected for the associated phenotype(s). Given the available evidence, this variant is classified as Likely Pathogenic.